The following is an entry in ClinVar:

NM_024675.4(PALB2):c.2400T>A (p.Cys800Ter)

Gene: PALB2 (partner and localizer of BRCA2; minus strand). Cytogenetic location: 16p12.2.
Variant type: single nucleotide variant.
Coding change: c.2400T>A on transcript NM_024675.4 (MANE Select); coding-DNA position 2400, T replaced by A.
Protein change: p.Cys800Ter; replaces cysteine 800 with a stop codon.
Molecular consequence: nonsense. On other transcripts: intron variant (1).
Genome position (GRCh38, 1-based): chr16:23,629,754, A>T on the plus strand (T>A on the coding strand, the complement: PALB2 is on the minus strand). VCF-style: chr16-23629754-A-T. GRCh37 (hg19) VCF-style: chr16-23641075-A-T.
Other names: c.2340T>A, p.Cys780Ter (NM_001407296.1); c.2400T>A, p.Cys800Ter (NM_001407297.1, NM_001407298.1, NM_001407299.1 and 3 more transcripts); c.1515T>A, p.Cys505Ter (NM_001407304.1, NM_001407305.1, NM_001407306.1 and 5 more transcripts); c.612T>A, p.Cys204Ter (NM_001407312.1, NM_001407313.1); c.49-479T>A (NM_001407314.1); short protein forms C204*, C505*, C780*, C800*.
Identifiers: ClinVar variation 2811154 (VCV002811154.3), dbSNP rs2142373865, ClinGen allele CA395124462.
Genomic context (GRCh38, chr16:23,629,754, plus strand): 5'-TTCTTTAAAAGTGAATGACTCAATGGGTGGAGGTGTTCCTGGCGGGACAGAGTCACAGTC[A>T]CAGGTAGGTTGTCCTTGCCTGCCTGACACTTGCAGGGTGGTATGTGGTTTTGCTGGGCTG-3'

ClinVar aggregate classification (germline): Pathogenic (1 of 4 stars; one submission).

Conditions:
Familial cancer of breast. Also called: BREAST CANCER, FAMILIAL; hereditary breast carcinoma; Hereditary breast cancer. Identifiers: Orphanet 227535, MedGen C0346153, MONDO:0016419, OMIM 114480. Disease mechanism: loss of function.

Submission:

Labcorp Genetics (formerly Invitae), Labcorp
Classification: Pathogenic for Familial cancer of breast. Last evaluated: 2025-06-22. Review status: criteria provided, single submitter. Criteria: Invitae Variant Classification Sherloc (09022015). Collection method: clinical testing. Allele origin: germline.
Comment: This sequence change creates a premature translational stop signal (p.Cys800*) in the PALB2 gene. It is expected to result in an absent or disrupted protein product. Loss-of-function variants in PALB2 are known to be pathogenic (PMID: 17200668, 17200671, 17200672, 24136930, 25099575). This variant is not present in population databases (gnomAD no frequency). This variant has not been reported in the literature in individuals affected with PALB2-related conditions. ClinVar contains an entry for this variant (Variation ID: 2811154). For these reasons, this variant has been classified as Pathogenic.

Literature cited by the submitters: PubMed 17200668; PubMed 17200671; PubMed 17200672; PubMed 24136930; PubMed 25099575.